The following is an entry in ClinVar:

NM_000282.4(PCCA):c.962T>C (p.Val321Ala)

Gene: PCCA (propionyl-CoA carboxylase subunit alpha; plus strand). Cytogenetic location: 13q32.3.
Variant type: single nucleotide variant.
Coding change: c.962T>C on transcript NM_000282.4 (MANE Select); coding-DNA position 962, T replaced by C.
Protein change: p.Val321Ala; replaces valine 321 with alanine.
Molecular consequence: missense variant. On other transcripts: non-coding transcript variant (5).
Genome position (GRCh38, 1-based): chr13:100,273,243, T>C. VCF-style: chr13-100273243-T-C. GRCh37 (hg19) VCF-style: chr13-100925497-T-C.
Other names: c.884T>C, p.Val295Ala (NM_001127692.3, NM_001352607.2, NM_001352608.2); c.962T>C, p.Val321Ala (NM_001178004.2, NM_001352605.2, NM_001352606.2 and 1 more transcripts); c.17T>C, p.Val6Ala (NM_001352610.2, NM_001352611.2, NM_001352612.2); short protein forms V321A, V6A, V295A.
Identifiers: ClinVar variation 3023607 (VCV003023607.3), dbSNP rs2547977313, ClinGen allele CA388694769.
Genomic context (GRCh38, chr13:100,273,243, plus strand): 5'-TTTGTATATGTAGCATTTTTTTGGATGCGGAGACTCGAAGAGCGATGGGAGAACAAGCTG[T>C]AGCTCTTGCCAGAGCAGTAAAATATTCCTCTGCTGGGACCGTGGAGTTCCTTGTGGACTC-3'
Protein context (NP_000273.2, residues 311-331): ETRRAMGEQA[Val321Ala]ALARAVKYSS

ClinVar aggregate classification (germline): Uncertain significance (1 of 4 stars; one submission).

Conditions:
Propionic acidemia (PROP). Also called: GLYCINEMIA, KETOTIC; HYPERGLYCINEMIA WITH KETOACIDOSIS AND LEUKOPENIA; KETOTIC HYPERGLYCINEMIA. Identifiers: Orphanet 35, MedGen C0268579, MONDO:0011628, OMIM 606054, HP:0003571.

Submission:

Labcorp Genetics (formerly Invitae), Labcorp
Classification: Uncertain significance for Propionic acidemia. Last evaluated: 2023-10-25. Review status: criteria provided, single submitter. Criteria: Invitae Variant Classification Sherloc (09022015). Collection method: clinical testing. Allele origin: germline.
Comment: This sequence change replaces valine, which is neutral and non-polar, with alanine, which is neutral and non-polar, at codon 321 of the PCCA protein (p.Val321Ala). This variant is not present in population databases (gnomAD no frequency). This variant has not been reported in the literature in individuals affected with PCCA-related conditions. Advanced modeling of protein sequence and biophysical properties (such as structural, functional, and spatial information, amino acid conservation, physicochemical variation, residue mobility, and thermodynamic stability) has been performed at Invitae for this missense variant, however the output from this modeling did not meet the statistical confidence thresholds required to predict the impact of this variant on PCCA protein function. In summary, the available evidence is currently insufficient to determine the role of this variant in disease. Therefore, it has been classified as a Variant of Uncertain Significance.